The following is an entry in ClinVar:

Conditions:
Breast-ovarian cancer, familial, susceptibility to, 1 (BROVCA1). Also called: BRCA1 Hereditary Breast and Ovarian Cancer; OVARIAN CANCER, SUSCEPTIBILITY TO. Identifiers: Orphanet 145, MedGen C2676676, MONDO:0011450, OMIM 604370. Disease mechanism: loss of function.

Submission:

Brotman Baty Institute, University of Washington
No classification provided (evidence only). Condition: Breast-ovarian cancer, familial 1. Review status: no classification provided. Collection method: in vitro. Allele origin: not applicable. Functional consequence: functionally_abnormal.
ClinVar note: "not provided" was previously submitted as the classification for the variant. However, the classification appeared to be based only on an observation of functional data so it was converted to no classification on 2025-07-30.

NM_007294.4(BRCA1):c.5058T>G (p.His1686Gln)

Gene: BRCA1 (BRCA1 DNA repair associated; minus strand). Cytogenetic location: 17q21.31.
Variant type: single nucleotide variant.
Coding change: c.5058T>G on transcript NM_007294.4 (MANE Select); coding-DNA position 5058, T replaced by G.
Protein change: p.His1686Gln; replaces histidine 1686 with glutamine.
Molecular consequence: missense variant. On other transcripts: non-coding transcript variant (1).
Genome position (GRCh38, 1-based): chr17:43,067,624, A>C on the plus strand (T>G on the coding strand, the complement: BRCA1 is on the minus strand). VCF-style: chr17-43067624-A-C. GRCh37 (hg19) VCF-style: chr17-41219641-A-C.
Other names: c.1545T>G, p.His515Gln (NM_001408475.1, NM_001408476.1); c.1539T>G, p.His513Gln (NM_001408478.1, NM_001408479.1, NM_001408480.1); c.1536T>G, p.His512Gln (NM_001408481.1, NM_001408482.1, NM_001408483.1 and 5 more transcripts); c.1485T>G, p.His495Gln (NM_001408498.1, NM_001408499.1, NM_001408500.1 and 3 more transcripts); c.1482T>G, p.His494Gln (NM_001408502.1, NM_001408503.1, NM_001408504.1); c.1479T>G, p.His493Gln (NM_001408505.1); c.1422T>G, p.His474Gln (NM_001408506.1); c.1419T>G, p.His473Gln (NM_001408507.1); and 70 more; short protein forms H1707Q, H1639Q, H582Q, H1686Q, H1390Q, H1557Q, H1574Q, H1598Q.
Identifiers: ClinVar variation 868572 (VCV000868572.3), dbSNP rs397509218, ClinGen allele CA10591404.